The following is an entry in ClinVar:

ClinVar aggregate classification (germline): Likely benign. Review status: criteria provided, multiple submitters, no conflicts (2 of 4 stars). 2 submissions from 2 submitters: Likely benign (2). Last evaluated 2022-05-12.

Conditions:
Epidermolysis bullosa simplex, Ogna type (EBS5A). Also called: Pidermolysis bullosa simplex 5A, Ogna type; EPIDERMOLYSIS BULLOSA SIMPLEX 5A, OGNA TYPE. Identifiers: Orphanet 79401, MedGen C0432317, MONDO:0007555, OMIM 131950.
Epidermolysis bullosa simplex with nail dystrophy (EBS5D). Identifiers: MedGen C4225309, MONDO:0014661, OMIM 616487.
Epidermolysis bullosa simplex 5B, with muscular dystrophy (EBS5B). Also called: Epidermolysis bullosa simplex with muscular dystrophy; EPIDERMOLYSIS BULLOSA SIMPLEX AND LIMB-GIRDLE MUSCULAR DYSTROPHY. Identifiers: Orphanet 257, MedGen C2931072, MONDO:0009181, OMIM 226670.
Epidermolysis bullosa simplex 5C, with pyloric atresia (EBS5C). Also called: PLEC-Related Epidermolysis Bullosa with Pyloric Atresia; Epidermolysis bullosa simplex with pyloric atresia; PLEC1-Related Epidermolysis Bullosa with Pyloric Atresia. Identifiers: Orphanet 158684, MedGen C2677349, MONDO:0012807, OMIM 612138.
Autosomal recessive limb-girdle muscular dystrophy type 2Q (LGMDR17). Also called: MUSCULAR DYSTROPHY, LIMB-GIRDLE, AUTOSOMAL RECESSIVE 17. Identifiers: Orphanet 254361, MedGen C3150989, MONDO:0013390, OMIM 613723.

Allele frequency attached by ClinVar (database versions not stated): gnomAD 0.00001; gnomAD exomes 0.00001; TOPMed 0.00001.
gnomAD v4.1: 9 of 1,611,178 alleles (0.00056%); highest among the groups gnomAD compares: East Asian, 0.0022%; no homozygotes.

Submissions (2):

Labcorp Genetics (formerly Invitae), Labcorp
Classification: Likely benign for Autosomal recessive limb-girdle muscular dystrophy type 2Q; Epidermolysis bullosa simplex, Ogna type; Epidermolysis bullosa simplex with nail dystrophy; Epidermolysis bullosa simplex 5C, with pyloric atresia; Epidermolysis bullosa simplex 5B, with muscular dystrophy. Last evaluated: 2022-05-12. Review status: criteria provided, single submitter. Criteria: Invitae Variant Classification Sherloc (09022015). Collection method: clinical testing. Allele origin: germline.

CeGaT Center for Human Genetics Tuebingen
Classification: Likely benign. Last evaluated: 2022-03-01. Review status: criteria provided, single submitter. Criteria: CeGaT Center For Human Genetics Tuebingen Variant Classification Criteria Version 2. Collection method: clinical testing. Allele origin: germline. Affected: yes. Observed: 1 variant allele.
Comment: PLEC: BP4, BP7

NM_201384.3(PLEC):c.13162C>T (p.Leu4388=)

Gene: PLEC (plectin; minus strand). Cytogenetic location: 8q24.3.
Variant type: single nucleotide variant.
Coding change: c.13162C>T on transcript NM_201384.3 (MANE Select); coding-DNA position 13162, C replaced by T.
Protein change: p.Leu4388=; no amino-acid change (leucine 4388 retained).
Molecular consequence: synonymous variant.
Genome position (GRCh38, 1-based): chr8:143,916,659, G>A on the plus strand (C>T on the coding strand, the complement: PLEC is on the minus strand). VCF-style: chr8-143916659-G-A. GRCh37 (hg19) VCF-style: chr8-144990827-G-A.
Other names: c.13243C>T, p.Leu4415= (NM_000445.5); c.9862C>T, p.Leu3288= (NM_001410941.1); c.13120C>T, p.Leu4374= (NM_201378.4); c.13096C>T, p.Leu4366= (NM_201379.3); c.13573C>T, p.Leu4525= (NM_201380.4); c.13066C>T, p.Leu4356= (NM_201381.3); c.13162C>T, p.Leu4388= (NM_201382.4); c.13174C>T, p.Leu4392= (NM_201383.3).
Identifiers: ClinVar variation 2139443 (VCV002139443.28), dbSNP rs767122018, ClinGen allele CA187606740.